The following is an entry in ClinVar:

NM_001386298.1(CIC):c.4157G>C (p.Gly1386Ala)

Gene: CIC (capicua transcriptional repressor; plus strand). Cytogenetic location: 19q13.2.
Variant type: single nucleotide variant.
Coding change: c.4157G>C on transcript NM_001386298.1 (MANE Select); coding-DNA position 4157, G replaced by C.
Protein change: p.Gly1386Ala; replaces glycine 1386 with alanine.
Molecular consequence: missense variant.
Genome position (GRCh38, 1-based): chr19:42,289,917, G>C. VCF-style: chr19-42289917-G-C. GRCh37 (hg19) VCF-style: chr19-42794069-G-C.
Other names: c.4157G>C, p.Gly1386Ala (NM_001304815.2, NM_001379480.1, NM_001379482.1); c.1430G>C, p.Gly477Ala (NM_001379484.1, NM_001379485.1, NM_015125.5); short protein forms G477A, G1386A.
Identifiers: ClinVar variation 133923 (VCV000133923.1), dbSNP rs201078050, ClinGen allele CA158164.
Genomic context (GRCh38, chr19:42,289,917, plus strand): 5'-GCTTCGGCACCACTGACATTGATCTCAAGTGCAAGGAGCGGGTGACCGACAGCGAGAGTG[G>C]GGACAGCTCTGGGGAGGACCCAGAGGGCAACAAGGTGAGGGCTTGGGTCACGGTGCTGTC-3'
Protein context (NP_001373227.1, residues 1376-1396): CKERVTDSES[Gly1386Ala]DSSGEDPEGN

ClinVar aggregate classification (germline): not provided (0 of 4 stars; one submission).

Allele frequency attached by ClinVar (database versions not stated): gnomAD exomes 0.00005 and 0.00019; 1000 Genomes Project 30x 0.00016; 1000 Genomes Project 0.00020; TOPMed 0.00045; gnomAD 0.00068 and 0.00070.
gnomAD v4.1: 164 of 1,609,702 alleles (0.01%); highest among the groups gnomAD compares: Admixed American, 0.27%; 2 homozygotes.

Submission:

ITMI
No classification provided. Condition: AllHighlyPenetrant. Last evaluated: 2013-09-19. Review status: no classification provided. Collection method: reference population. Allele origin: germline.
Comment: Please see associated publication for description of ethnicities

Literature cited by the submitters: PubMed 24728327.